The following is an entry in ClinVar:

ClinVar aggregate classification (germline): Uncertain significance (1 of 4 stars; one submission).

Allele frequency attached by ClinVar (database versions not stated): gnomAD exomes below 0.00001; ExAC 0.00001.
gnomAD v4.1: 5 of 1,604,518 alleles (0.00031%); highest among the groups gnomAD compares: Non-Finnish European, 0.00043%; no homozygotes.

Submission:

Labcorp Genetics (formerly Invitae), Labcorp
Classification: Uncertain significance. Last evaluated: 2023-12-11. Review status: criteria provided, single submitter. Criteria: Invitae Variant Classification Sherloc (09022015). Collection method: clinical testing. Allele origin: germline.
Comment: This sequence change falls in intron 3 of the LRIT3 gene. It does not directly change the encoded amino acid sequence of the LRIT3 protein. It affects a nucleotide within the consensus splice site. This variant is present in population databases (rs759249287, gnomAD 0.002%). This variant has not been reported in the literature in individuals affected with LRIT3-related conditions. ClinVar contains an entry for this variant (Variation ID: 2093567). Variants that disrupt the consensus splice site are a relatively common cause of aberrant splicing (PMID: 17576681, 9536098). Algorithms developed to predict the effect of sequence changes on RNA splicing suggest that this variant may disrupt the consensus splice site. In summary, the available evidence is currently insufficient to determine the role of this variant in disease. Therefore, it has been classified as a Variant of Uncertain Significance.

Literature cited by the submitters: PubMed 17576681; PubMed 9536098.

NM_198506.5(LRIT3):c.895+1G>A

Gene: LRIT3 (leucine rich repeat, Ig-like and transmembrane domains 3; plus strand). Cytogenetic location: 4q25.
Variant type: single nucleotide variant.
Coding change: c.895+1G>A on transcript NM_198506.5 (MANE Select); the canonical splice donor site of the intron after coding-DNA position 895, G replaced by A.
Molecular consequence: splice donor variant.
Genome position (GRCh38, 1-based): chr4:109,867,947, G>A. VCF-style: chr4-109867947-G-A. GRCh37 (hg19) VCF-style: chr4-110789103-G-A.
Identifiers: ClinVar variation 2093567 (VCV002093567.4), dbSNP rs759249287, ClinGen allele CA3043081.